The following is an entry in ClinVar:

NM_000455.5(STK11):c.921-18G>A

Gene: STK11 (serine/threonine kinase 11; plus strand). Cytogenetic location: 19p13.3.
Variant type: single nucleotide variant.
Coding change: c.921-18G>A on transcript NM_000455.5 (MANE Select); 18 bases into the intron before coding-DNA position 921, G replaced by A.
Molecular consequence: intron variant.
Genome position (GRCh38, 1-based): chr19:1,222,967, G>A. VCF-style: chr19-1222967-G-A. GRCh37 (hg19) VCF-style: chr19-1222966-G-A.
Identifiers: ClinVar variation 629540 (VCV000629540.4), dbSNP rs1568711834, ClinGen allele CA913188990.

ClinVar aggregate classification (germline): Likely benign. Review status: criteria provided, multiple submitters, no conflicts (2 of 4 stars). 3 submissions from 3 submitters: Likely benign (3). Last evaluated 2025-10-15.

Conditions:
Hereditary cancer-predisposing syndrome. Also called: Tumor predisposition; Neoplastic Syndromes, Hereditary; Hereditary Cancer Syndrome; Hereditary neoplastic syndrome. Identifiers: Orphanet 140162, MedGen C0027672, MeSH D009386, MONDO:0015356.
Peutz-Jeghers syndrome (PJS). Also called: POLYPOSIS, HAMARTOMATOUS INTESTINAL; POLYPS-AND-SPOTS SYNDROME; Peutz-Jeghers polyposis; Periorificial lentiginosis syndrome. Identifiers: Orphanet 2869, MedGen C0031269, MeSH D010580, MONDO:0008280, OMIM 175200.

Allele frequency attached by ClinVar (database versions not stated): gnomAD exomes below 0.00001.
gnomAD v4.1: 1 of 1,533,350 alleles (0.000065%); highest among the groups gnomAD compares: Non-Finnish European, 0.000088%; no homozygotes.

Submissions (3):

Labcorp Genetics (formerly Invitae), Labcorp
Classification: Likely benign for Peutz-Jeghers syndrome. Last evaluated: 2025-10-15. Review status: criteria provided, single submitter. Criteria: Invitae Variant Classification Sherloc (09022015). Collection method: clinical testing. Allele origin: germline.

Myriad Genetics, Inc.
Classification: Likely benign for Peutz-Jeghers syndrome. Last evaluated: 2025-03-28. Review status: criteria provided, single submitter. Criteria: Myriad Autosomal Dominant, Autosomal Recessive and X-Linked Classification Criteria (2023). Collection method: clinical testing. Allele origin: unknown.
Comment: This variant is considered likely benign. This variant is intronic and is not expected to impact mRNA splicing.

Color Diagnostics, LLC DBA Color Health
Classification: Likely benign for Hereditary cancer-predisposing syndrome. Last evaluated: 2018-10-16. Review status: criteria provided, single submitter. Criteria: ACMG Guidelines, 2015. Collection method: clinical testing. Allele origin: germline.